The following is an entry in ClinVar:

ClinVar aggregate classification (germline): Uncertain significance (1 of 4 stars; one submission).

Submission:

GeneDx
Classification: Uncertain significance. Last evaluated: 2024-05-16. Review status: criteria provided, single submitter. Criteria: GeneDx Variant Classification Process June 2021. Collection method: clinical testing. Allele origin: germline. Affected: yes.
Comment: Reported in association with neurodevelopmental disorders in the published literature (PMID: 36307226, 33057194); In silico analysis supports that this missense variant has a deleterious effect on protein structure/function; Not observed at significant frequency in large population cohorts (gnomAD); This variant is associated with the following publications: (PMID: 35982159, 33057194, 36307226)

NM_139318.5(KCNH5):c.542T>C (p.Leu181Pro)

Gene: KCNH5 (potassium voltage-gated channel subfamily H member 5; minus strand). Cytogenetic location: 14q23.2.
Variant type: single nucleotide variant.
Coding change: c.542T>C on transcript NM_139318.5 (MANE Select); coding-DNA position 542, T replaced by C.
Protein change: p.Leu181Pro; replaces leucine 181 with proline.
Molecular consequence: missense variant.
Genome position (GRCh38, 1-based): chr14:62,987,079, A>G on the plus strand (T>C on the coding strand, the complement: KCNH5 is on the minus strand). VCF-style: chr14-62987079-A-G. GRCh37 (hg19) VCF-style: chr14-63453797-A-G.
Other names: c.542T>C, p.Leu181Pro (NM_172375.3); short protein forms L181P.
Identifiers: ClinVar variation 3377999 (VCV003377999.1).